The following is an entry in ClinVar:

ClinVar aggregate classification (germline): Likely pathogenic. Review status: criteria provided, multiple submitters, no conflicts (2 of 4 stars). 2 submissions from 2 submitters: Likely pathogenic (2). Last evaluated 2022-08-31.

Conditions:
TFAP2A-related disorder. Also called: TFAP2A-related condition.

Submissions (2):

Labcorp Genetics (formerly Invitae), Labcorp
Classification: Likely pathogenic. Last evaluated: 2022-08-31. Review status: criteria provided, single submitter. Criteria: Invitae Variant Classification Sherloc (09022015). Collection method: clinical testing. Allele origin: germline.
Comment: This sequence change replaces alanine, which is neutral and non-polar, with glutamic acid, which is acidic and polar, at codon 246 of the TFAP2A protein (p.Ala246Glu). This variant is not present in population databases (gnomAD no frequency). This missense change has been observed in individuals with clinical features of branchiooculofacial syndrome (PMID: 21204207; Invitae). It has also been observed to segregate with disease in related individuals. Algorithms developed to predict the effect of missense changes on protein structure and function are either unavailable or do not agree on the potential impact of this missense change (SIFT: "Deleterious"; PolyPhen-2: "Benign"; Align-GVGD: "Class C15"). Experimental studies have shown that this missense change affects TFAP2A function (PMID: 23578821). In summary, the currently available evidence indicates that the variant is pathogenic, but additional data are needed to prove that conclusively. Therefore, this variant has been classified as Likely Pathogenic.

Blueprint Genetics
Classification: Likely pathogenic for TFAP2A-related disorders. Last evaluated: 2020-04-03. Review status: criteria provided, single submitter. Criteria: ACMG Guidelines, 2015. Collection method: clinical testing. Allele origin: germline. Affected: yes. Observed: 2 variant alleles.

Literature cited by the submitters: PubMed 21204207 (cited by Labcorp Genetics (formerly Invitae), Labcorp); PubMed 23578821 (cited by Labcorp Genetics (formerly Invitae), Labcorp).

NM_001372066.1(TFAP2A):c.743C>A (p.Ala248Glu)

Genes: TFAP2A (transcription factor AP-2 alpha; minus strand), TFAP2A-AS2 (TFAP2A antisense RNA 2; plus strand), LOC121740638 (BRD4-independent group 4 enhancer GRCh37_chr6:10403277-10404476; plus strand). Cytogenetic location: 6p24.3.
Variant type: single nucleotide variant.
Coding change: c.743C>A on transcript NM_001372066.1 (MANE Select); coding-DNA position 743, C replaced by A.
Protein change: p.Ala248Glu; replaces alanine 248 with glutamic acid.
Molecular consequence: missense variant. On other transcripts: non-coding transcript variant (1).
Genome position (GRCh38, 1-based): chr6:10,404,535, G>T on the plus strand (C>A on the coding strand, the complement: TFAP2A is on the minus strand). VCF-style: chr6-10404535-G-T. GRCh37 (hg19) VCF-style: chr6-10404768-G-T.
Other names: c.719C>A, p.Ala240Glu (NM_001032280.3); c.725C>A, p.Ala242Glu (NM_001042425.3); short protein forms A240E, A248E, A242E.
Identifiers: ClinVar variation 2136366 (VCV002136366.5), dbSNP rs2532363566, ClinGen allele CA362701185.
Genomic context (GRCh38, chr6:10,404,535, plus strand): 5'-GGGCGGGGCGGGCGGGGCCGTGCCGGGCCTCACCTCCGGAGCACTCCGCCCAGCAGCGAC[G>T]CGTTGAGACACTCGGGTGGTGAGAGCCGCCGCTGCACTTCCGCCACCGTGACCTTGTACT-3'
Protein context (NP_001358995.1, residues 238-258): RRLSPPECLN[Ala248Glu]SLLGGVLRRA